The following is an entry in ClinVar:

ClinVar aggregate classification (germline): Uncertain significance (1 of 4 stars; one submission).

Conditions:
Atypical hemolytic-uremic syndrome with MCP/CD46 anomaly. Also called: HEMOLYTIC UREMIC SYNDROME, ATYPICAL, SUSCEPTIBILITY TO, 2; AHUS, SUSCEPTIBILITY TO, 2. Identifiers: Orphanet 2134, MedGen C2752040, MONDO:0013040, OMIM 612922.

Submission:

MVZ Medizinische Genetik Mainz
Classification: Uncertain significance for Atypical hemolytic-uremic syndrome with MCP/CD46 anomaly. Last evaluated: 2025-10-08. Review status: criteria provided, single submitter. Criteria: UK Practice Guidelines For Variant Classification V4 01 2020. Collection method: clinical testing. Allele origin: germline. Inheritance: Autosomal dominant inheritance. Affected: yes. Observed: 1 variant allele.
Comment: ACMG Criteria: PM1_SUP,PM2_SUP,PP4,BP4

NM_172351.3(CD46):c.698T>G (p.Val233Gly)

Gene: CD46 (CD46 molecule; plus strand). Cytogenetic location: 1q32.2.
Variant type: single nucleotide variant.
Coding change: c.698T>G on transcript NM_172351.3 (MANE Select); coding-DNA position 698, T replaced by G.
Protein change: p.Val233Gly; replaces valine 233 with glycine.
Molecular consequence: missense variant.
Genome position (GRCh38, 1-based): chr1:207,767,037, T>G. VCF-style: chr1-207767037-T-G. GRCh37 (hg19) VCF-style: chr1-207940382-T-G.
Other names: c.698T>G, p.Val233Gly (NM_002389.4, NM_153826.4, NM_172350.3 and 8 more transcripts); short protein forms V233G.
Identifiers: ClinVar variation 4526548 (VCV004526548.1).